The following is an entry in ClinVar:

NM_004100.5(EYA4):c.865A>C (p.Thr289Pro)

Gene: EYA4 (EYA transcriptional coactivator and phosphatase 4; plus strand). Cytogenetic location: 6q23.2.
Variant type: single nucleotide variant.
Coding change: c.865A>C on transcript NM_004100.5 (MANE Select); coding-DNA position 865, A replaced by C.
Protein change: p.Thr289Pro; replaces threonine 289 with proline.
Molecular consequence: missense variant.
Genome position (GRCh38, 1-based): chr6:133,468,626, A>C. VCF-style: chr6-133468626-A-C. GRCh37 (hg19) VCF-style: chr6-133789764-A-C.
Other names: c.703A>C, p.Thr235Pro (NM_001301012.2, NM_001370459.1); c.865A>C, p.Thr289Pro (NM_001301013.2, NM_172105.4); c.796A>C, p.Thr266Pro (NM_001370458.1, NM_172103.4); short protein forms T235P, T266P, T289P.
Identifiers: ClinVar variation 2152442 (VCV002152442.4), dbSNP rs2534668601, ClinGen allele CA365703540.

ClinVar aggregate classification (germline): Uncertain significance (1 of 4 stars; one submission).

Conditions:
Dilated cardiomyopathy 1J (CMD1J). Also called: CARDIOMYOPATHY, DILATED, WITH SENSORINEURAL HEARING LOSS, AUTOSOMAL DOMINANT. Identifiers: Orphanet 217622, MedGen C1854368, MONDO:0011541, OMIM 605362.

Submission:

Labcorp Genetics (formerly Invitae), Labcorp
Classification: Uncertain significance for Dilated cardiomyopathy 1J. Last evaluated: 2022-04-28. Review status: criteria provided, single submitter. Criteria: Invitae Variant Classification Sherloc (09022015). Collection method: clinical testing. Allele origin: germline.
Comment: This variant is not present in population databases (gnomAD no frequency). This sequence change replaces threonine, which is neutral and polar, with proline, which is neutral and non-polar, at codon 289 of the EYA4 protein (p.Thr289Pro). This variant has not been reported in the literature in individuals affected with EYA4-related conditions. Algorithms developed to predict the effect of missense changes on protein structure and function are either unavailable or do not agree on the potential impact of this missense change (SIFT: "Deleterious"; PolyPhen-2: "Benign"; Align-GVGD: "Class C0"). In summary, the available evidence is currently insufficient to determine the role of this variant in disease. Therefore, it has been classified as a Variant of Uncertain Significance.